The following is an entry in ClinVar:

ClinVar aggregate classification (germline): Uncertain significance (1 of 4 stars; one submission).

Conditions:
Hereditary cancer-predisposing syndrome. Also called: Tumor predisposition; Neoplastic Syndromes, Hereditary; Hereditary Cancer Syndrome; Hereditary neoplastic syndrome. Identifiers: Orphanet 140162, MedGen C0027672, MeSH D009386, MONDO:0015356.

Submission:

Ambry Genetics
Classification: Uncertain significance for Hereditary cancer-predisposing syndrome. Last evaluated: 2025-03-03. Review status: criteria provided, single submitter. Criteria: Ambry Variant Classification Scheme 2023. Collection method: clinical testing. Allele origin: germline.
Comment: The p.D738G variant (also known as c.2213A>G), located in coding exon 15 of the PDGFRA gene, results from an A to G substitution at nucleotide position 2213. The aspartic acid at codon 738 is replaced by glycine, an amino acid with similar properties. This amino acid position is conserved. In addition, the in silico prediction for this alteration is inconclusive. Based on the available evidence, the clinical significance of this variant remains unclear.

NM_006206.6(PDGFRA):c.2213A>G (p.Asp738Gly)

Gene: PDGFRA (platelet derived growth factor receptor alpha; plus strand). Cytogenetic location: 4q12.
Variant type: single nucleotide variant.
Coding change: c.2213A>G on transcript NM_006206.6 (MANE Select); coding-DNA position 2213, A replaced by G.
Protein change: p.Asp738Gly; replaces aspartic acid 738 with glycine.
Molecular consequence: missense variant.
Genome position (GRCh38, 1-based): chr4:54,280,372, A>G. VCF-style: chr4-54280372-A-G. GRCh37 (hg19) VCF-style: chr4-55146539-A-G.
Other names: c.2213A>G, p.Asp738Gly (NM_001347827.2, NM_001347829.2); c.2288A>G, p.Asp763Gly (NM_001347828.2); c.2252A>G, p.Asp751Gly (NM_001347830.2); short protein forms D738G, D751G, D763G.
Identifiers: ClinVar variation 3887374 (VCV003887374.1).